The following is an entry in ClinVar:

ClinVar aggregate classification (germline): Uncertain significance. Review status: criteria provided, multiple submitters, no conflicts (2 of 4 stars). 3 submissions from 3 submitters: Uncertain significance (3). Last evaluated 2025-11-21.

Conditions:
AARS1-related disorder. Also called: AARS1-related condition.
Charcot-Marie-Tooth disease type 2. Also called: Charcot-Marie-Tooth type 2. Identifiers: Orphanet 64746, MedGen C0270914, MONDO:0018993.
Inborn genetic diseases. Identifiers: MedGen C0950123, MeSH D030342.

Allele frequency attached by ClinVar (database versions not stated): gnomAD 0.00001; gnomAD exomes 0.00001; TOPMed 0.00001.
gnomAD v4.1: 15 of 1,614,026 alleles (0.00093%); highest among the groups gnomAD compares: Non-Finnish European, 0.0013%; no homozygotes.

Submissions (3):

Labcorp Genetics (formerly Invitae), Labcorp
Classification: Uncertain significance for Charcot-Marie-Tooth disease type 2. Last evaluated: 2025-11-21. Review status: criteria provided, single submitter. Criteria: Invitae Variant Classification Sherloc (09022015). Collection method: clinical testing. Allele origin: germline.
Comment: This sequence change replaces valine, which is neutral and non-polar, with leucine, which is neutral and non-polar, at codon 297 of the AARS protein (p.Val297Leu). This variant is not present in population databases (gnomAD no frequency). This variant has not been reported in the literature in individuals affected with AARS-related conditions. ClinVar contains an entry for this variant (Variation ID: 1682271). Invitae Evidence Modeling of protein sequence and biophysical properties (such as structural, functional, and spatial information, amino acid conservation, physicochemical variation, residue mobility, and thermodynamic stability) has been performed for this missense variant. However, the output from this modeling did not meet the statistical confidence thresholds required to predict the impact of this variant on AARS protein function. In summary, the available evidence is currently insufficient to determine the role of this variant in disease. Therefore, it has been classified as a Variant of Uncertain Significance.

PreventionGenetics, part of Exact Sciences
Classification: Uncertain significance for AARS1-related condition. Last evaluated: 2025-06-13. Review status: criteria provided, single submitter. Criteria: ACMG Guidelines, 2015. Collection method: clinical testing. Allele origin: germline.
Comment: The AARS1 c.889G>C variant is predicted to result in the amino acid substitution p.Val297Leu. To our knowledge, this variant has not been reported in the literature or in a large population database (gnomAD), indicating this variant is rare. At this time, the clinical significance of this variant is uncertain due to the absence of conclusive functional and genetic evidence.

Ambry Genetics
Classification: Uncertain significance for Inborn genetic diseases. Last evaluated: 2024-09-08. Review status: criteria provided, single submitter. Criteria: Ambry Variant Classification Scheme 2023. Collection method: clinical testing. Allele origin: germline.

NM_001605.3(AARS1):c.889G>C (p.Val297Leu)

Gene: AARS1 (alanyl-tRNA synthetase 1; minus strand). Cytogenetic location: 16q22.1.
Variant type: single nucleotide variant.
Coding change: c.889G>C on transcript NM_001605.3 (MANE Select); coding-DNA position 889, G replaced by C.
Protein change: p.Val297Leu; replaces valine 297 with leucine.
Molecular consequence: missense variant.
Genome position (GRCh38, 1-based): chr16:70,269,691, C>G on the plus strand (G>C on the coding strand, the complement: AARS1 is on the minus strand). VCF-style: chr16-70269691-C-G. GRCh37 (hg19) VCF-style: chr16-70303594-C-G.
Other names: c.889G>C (NM_001605.2); short protein forms V297L.
Identifiers: ClinVar variation 1682271 (VCV001682271.10), dbSNP rs1329713999, ClinGen allele CA396564677.